The following is an entry in ClinVar:

ClinVar aggregate classification (germline): Benign. Review status: criteria provided, single submitter (1 of 4 stars). 2 submissions from 2 submitters: Benign (1). 1 of the submissions does not count toward it. Last evaluated 2024-08-08.

Conditions:
PIEZO1-related disorder. Also called: PIEZO1-Related Disorders; PIEZO1-related condition.

Allele frequency attached by ClinVar (database versions not stated): gnomAD 0.00015; TOPMed 0.00018; 1000 Genomes Project 0.00020; 1000 Genomes Project 30x 0.00031.
gnomAD v4.1: 35 of 1,550,352 alleles (0.0023%); highest among the groups gnomAD compares: African/African-American, 0.046%; no homozygotes.

Submissions (2):

Labcorp Genetics (formerly Invitae), Labcorp
Classification: Benign. Last evaluated: 2024-08-08. Review status: criteria provided, single submitter. Criteria: Invitae Variant Classification Sherloc (09022015). Collection method: clinical testing. Allele origin: germline.

PreventionGenetics, part of Exact Sciences
Classification: Likely benign for PIEZO1-related condition. Last evaluated: 2020-04-07. Review status: no assertion criteria provided. Collection method: clinical testing. Allele origin: germline. Not counted in ClinVar's aggregate classification.
Comment: This variant is classified as likely benign based on ACMG/AMP sequence variant interpretation guidelines (Richards et al. 2015 PMID: 25741868, with internal and published modifications).

NM_001142864.4(PIEZO1):c.7386C>T (p.Ile2462=)

Gene: PIEZO1 (piezo type mechanosensitive ion channel component 1 (Er blood group); minus strand). Cytogenetic location: 16q24.3.
Variant type: single nucleotide variant.
Coding change: c.7386C>T on transcript NM_001142864.4 (MANE Select); coding-DNA position 7386, C replaced by T.
Protein change: p.Ile2462=; no amino-acid change (isoleucine 2462 retained).
Molecular consequence: synonymous variant.
Genome position (GRCh38, 1-based): chr16:88,715,785, G>A on the plus strand (C>T on the coding strand, the complement: PIEZO1 is on the minus strand). VCF-style: chr16-88715785-G-A. GRCh37 (hg19) VCF-style: chr16-88782193-G-A.
Other names: c.5928C>T, p.Ile1976= (NM_014745.1).
Identifiers: ClinVar variation 3055205 (VCV003055205.4), dbSNP rs574227772, ClinGen allele CA286406005.
Genomic context (GRCh38, chr16:88,715,785, plus strand): 5'-CTGGCAGAGCTTGAGGATGCGGTCCACGCACGGCAGCTCCTCGAACATAATGGAGTGCGA[G>A]ATCTCGCTGAAGAATCCGCGCACGAACTTGCCGATGACCAGCACGATGGACACGTACAGC-3'
Protein context (NP_001136336.2, residues 2452-2472): GKFVRGFFSE[Ile2462=]SHSIMFEELP